The following is an entry in ClinVar:

ClinVar aggregate classification (germline): Uncertain significance (1 of 4 stars; one submission).

Allele frequency attached by ClinVar (database versions not stated): TOPMed 0.00003; gnomAD exomes below 0.00001; gnomAD 0.00001.
gnomAD v4.1: 4 of 1,614,080 alleles (0.00025%); highest among the groups gnomAD compares: Admixed American, 0.0033%; no homozygotes.

Submission:

Labcorp Genetics (formerly Invitae), Labcorp
Classification: Uncertain significance. Last evaluated: 2022-08-23. Review status: criteria provided, single submitter. Criteria: Invitae Variant Classification Sherloc (09022015). Collection method: clinical testing. Allele origin: germline.
Comment: In summary, the available evidence is currently insufficient to determine the role of this variant in disease. Therefore, it has been classified as a Variant of Uncertain Significance. Algorithms developed to predict the effect of missense changes on protein structure and function are either unavailable or do not agree on the potential impact of this missense change (SIFT: "Not Available"; PolyPhen-2: "Benign"; Align-GVGD: "Not Available"). ClinVar contains an entry for this variant (Variation ID: 1383011). This variant has not been reported in the literature in individuals affected with UNC80-related conditions. This variant is present in population databases (no rsID available, gnomAD 0.003%). This sequence change replaces glutamine, which is neutral and polar, with lysine, which is basic and polar, at codon 125 of the UNC80 protein (p.Gln125Lys).

NM_001371986.1(UNC80):c.373C>A (p.Gln125Lys)

Gene: UNC80 (unc-80 homolog, NALCN channel complex subunit; plus strand). Cytogenetic location: 2q34.
Variant type: single nucleotide variant.
Coding change: c.373C>A on transcript NM_001371986.1 (MANE Select); coding-DNA position 373, C replaced by A.
Protein change: p.Gln125Lys; replaces glutamine 125 with lysine.
Molecular consequence: missense variant.
Genome position (GRCh38, 1-based): chr2:209,777,332, C>A. VCF-style: chr2-209777332-C-A. GRCh37 (hg19) VCF-style: chr2-210642056-C-A.
Other names: c.373C>A, p.Gln125Lys (NM_032504.2, NM_182587.4); short protein forms Q125K.
Identifiers: ClinVar variation 1383011 (VCV001383011.6), dbSNP rs1420694982, ClinGen allele CA350131054.